The following is an entry in ClinVar:

ClinVar aggregate classification (germline): Uncertain significance (1 of 4 stars; one submission).

Conditions:
Hereditary spastic paraplegia 11. Also called: Spastic Paraplegia 11; SPASTIC PARAPLEGIA, AUTOSOMAL RECESSIVE, COMPLICATED, WITH THIN CORPUS CALLOSUM; SPASTIC PARAPLEGIA, AUTOSOMAL RECESSIVE, WITH MENTAL IMPAIRMENT AND THIN CORPUS CALLOSUM; Nakamura Osame syndrome; Autosomal recessive hereditary spastic paraplegia, mental impairment, and thin corpus callosum; Spastic paraplegia, mental retardation and thin corpus callosum. Identifiers: Orphanet 2822, MedGen C1858479, MONDO:0011445, OMIM 604360.

Allele frequency attached by ClinVar (database versions not stated): gnomAD 0.00001; TOPMed 0.00002.

Submission:

Labcorp Genetics (formerly Invitae), Labcorp
Classification: Uncertain significance for Hereditary spastic paraplegia 11. Last evaluated: 2022-07-05. Review status: criteria provided, single submitter. Criteria: Invitae Variant Classification Sherloc (09022015). Collection method: clinical testing. Allele origin: germline.
Comment: This sequence change replaces methionine, which is neutral and non-polar, with isoleucine, which is neutral and non-polar, at codon 1075 of the SPG11 protein (p.Met1075Ile). This variant is not present in population databases (gnomAD no frequency). This variant has not been reported in the literature in individuals affected with SPG11-related conditions. ClinVar contains an entry for this variant (Variation ID: 1008428). Algorithms developed to predict the effect of missense changes on protein structure and function are either unavailable or do not agree on the potential impact of this missense change (SIFT: "Deleterious"; PolyPhen-2: "Benign"; Align-GVGD: "Class C0"). In summary, the available evidence is currently insufficient to determine the role of this variant in disease. Therefore, it has been classified as a Variant of Uncertain Significance.

NM_025137.4(SPG11):c.3225G>T (p.Met1075Ile)

Gene: SPG11 (SPG11 vesicle trafficking associated, spatacsin; minus strand). Cytogenetic location: 15q21.1.
Variant type: single nucleotide variant.
Coding change: c.3225G>T on transcript NM_025137.4 (MANE Select); coding-DNA position 3225, G replaced by T.
Protein change: p.Met1075Ile; replaces methionine 1075 with isoleucine.
Molecular consequence: missense variant.
Genome position (GRCh38, 1-based): chr15:44,610,906, C>A on the plus strand (G>T on the coding strand, the complement: SPG11 is on the minus strand). VCF-style: chr15-44610906-C-A. GRCh37 (hg19) VCF-style: chr15-44903104-C-A.
Other names: c.3225G>T, p.Met1075Ile (NM_001160227.2); short protein forms M1075I.
Identifiers: ClinVar variation 1008428 (VCV001008428.6), dbSNP rs1204053852, ClinGen allele CA392226730.
Genomic context (GRCh38, chr15:44,610,906, plus strand): 5'-GACACCCCCAGGAGAATACATTGTAGTAGCAAGGGCCAGGAGGGTATGTCCTTCCAATAG[C>A]ATACTGCTTACACTGGCCTGATTGGTGGGAATCAAAATCTGAGCATTTGCAAGGCTAGCC-3'
Protein context (NP_079413.3, residues 1065-1085): IPTNQASVSS[Met1075Ile]LLEGHTLLAL